The following is an entry in ClinVar:

NM_033641.4(COL4A6):c.1247G>A (p.Arg416His)

Gene: COL4A6 (collagen type IV alpha 6 chain; minus strand). Cytogenetic location: Xq22.3.
Variant type: single nucleotide variant.
Coding change: c.1247G>A on transcript NM_033641.4 (MANE Select); coding-DNA position 1247, G replaced by A.
Protein change: p.Arg416His; replaces arginine 416 with histidine.
Molecular consequence: missense variant.
Genome position (GRCh38, 1-based): chrX:108,191,467, C>T on the plus strand (G>A on the coding strand, the complement: COL4A6 is on the minus strand). VCF-style: chrX-108191467-C-T. GRCh37 (hg19) VCF-style: chrX-107434697-C-T.
Other names: c.1247G>A, p.Arg416His (NM_001287758.2, NM_001287759.2, NM_001287760.2); c.1250G>A, p.Arg417His (NM_001847.4); c.1250G>A (NM_001847.3); short protein forms R416H, R417H.
Identifiers: ClinVar variation 2170421 (VCV002170421.5), dbSNP rs749725921, ClinGen allele CA10487878.

ClinVar aggregate classification (germline): Likely benign. Review status: criteria provided, multiple submitters, no conflicts (2 of 4 stars). 2 submissions from 2 submitters: Likely benign (2). Last evaluated 2025-10-23.

Conditions:
COL4A6-related disorder. Also called: COL4A6-related condition.

Allele frequency attached by ClinVar (database versions not stated): gnomAD 0.00004; TOPMed 0.00004; gnomAD exomes 0.00010; ExAC 0.00016; 1000 Genomes Project 0.00053; 1000 Genomes Project 30x 0.00062.
gnomAD v4.1: 109 of 1,209,578 alleles (0.009%); highest among the groups gnomAD compares: South Asian, 0.16%; 2 homozygotes.

Submissions (2):

PreventionGenetics, part of Exact Sciences
Classification: Likely benign for COL4A6-related condition. Last evaluated: 2025-10-23. Review status: criteria provided, single submitter. Criteria: ACMG Guidelines, 2015. Collection method: clinical testing. Allele origin: germline.
Comment: This variant is classified as likely benign based on ACMG/AMP sequence variant interpretation guidelines (Richards et al. 2015 PMID: 25741868, with internal and published modifications).

Labcorp Genetics (formerly Invitae), Labcorp
Classification: Likely benign. Last evaluated: 2023-12-15. Review status: criteria provided, single submitter. Criteria: Invitae Variant Classification Sherloc (09022015). Collection method: clinical testing. Allele origin: germline.